The following is an entry in ClinVar:

ClinVar aggregate classification (germline): Conflicting classifications of pathogenicity. Review status: criteria provided, conflicting classifications (1 of 4 stars). 2 submissions from 2 submitters: Uncertain significance (1); Likely benign (1). Last evaluated 2024-12-08.

Allele frequency attached by ClinVar (database versions not stated): gnomAD exomes 0.00002; TOPMed 0.00002; gnomAD 0.00003.
gnomAD v4.1: 30 of 1,600,498 alleles (0.0019%); highest among the groups gnomAD compares: Non-Finnish European, 0.0024%; no homozygotes.

Submissions (2):

Labcorp Genetics (formerly Invitae), Labcorp
Classification: Uncertain significance. Last evaluated: 2024-12-08. Review status: criteria provided, single submitter. Criteria: Invitae Variant Classification Sherloc (09022015). Collection method: clinical testing. Allele origin: germline.
Comment: This sequence change affects codon 158 of the BUB1 mRNA. It is a 'silent' change, meaning that it does not change the encoded amino acid sequence of the BUB1 protein. This variant is present in population databases (no rsID available, gnomAD 0.002%). This variant has not been reported in the literature in individuals affected with BUB1-related conditions. ClinVar contains an entry for this variant (Variation ID: 1742828). Experimental studies and prediction algorithms are not available or were not evaluated, and the functional significance of this variant is currently unknown. In summary, the available evidence is currently insufficient to determine the role of this variant in disease. Therefore, it has been classified as a Variant of Uncertain Significance.

Ambry Genetics
Classification: Likely benign. Last evaluated: 2022-02-21. Review status: criteria provided, single submitter. Criteria: Ambry Variant Classification Scheme 2023. Collection method: clinical testing. Allele origin: germline.

NM_004336.5(BUB1):c.474C>T (p.Thr158=)

Gene: BUB1 (BUB1 mitotic checkpoint serine/threonine kinase; minus strand). Cytogenetic location: 2q13.
Variant type: single nucleotide variant.
Coding change: c.474C>T on transcript NM_004336.5 (MANE Select); coding-DNA position 474, C replaced by T.
Protein change: p.Thr158=; no amino-acid change (threonine 158 retained).
Molecular consequence: synonymous variant.
Genome position (GRCh38, 1-based): chr2:110,669,546, G>A on the plus strand (C>T on the coding strand, the complement: BUB1 is on the minus strand). VCF-style: chr2-110669546-G-A. GRCh37 (hg19) VCF-style: chr2-111427123-G-A.
Other names: c.414C>T, p.Thr138= (NM_001278616.2); c.474C>T, p.Thr158= (NM_001278617.2).
Identifiers: ClinVar variation 1742828 (VCV001742828.4), dbSNP rs751310382, ClinGen allele CA53542454.